The following is an entry in ClinVar:

NM_000784.4(CYP27A1):c.821G>C (p.Gly274Ala)

Gene: CYP27A1 (cytochrome P450 family 27 subfamily A member 1; plus strand). Cytogenetic location: 2q35.
Variant type: single nucleotide variant.
Coding change: c.821G>C on transcript NM_000784.4 (MANE Select); coding-DNA position 821, G replaced by C.
Protein change: p.Gly274Ala; replaces glycine 274 with alanine.
Molecular consequence: missense variant.
Genome position (GRCh38, 1-based): chr2:218,812,726, G>C. VCF-style: chr2-218812726-G-C. GRCh37 (hg19) VCF-style: chr2-219677449-G-C.
Other names: short protein forms G274A.
Identifiers: ClinVar variation 1443832 (VCV001443832.5), dbSNP rs1167915356, ClinGen allele CA350587577.
Genomic context (GRCh38, chr2:218,812,726, plus strand): 5'-CCACCTTCCTCCCCAAGTGGACTCGCCCCGTGCTGCCTTTCTGGAAGCGATACCTGGATG[G>C]TTGGAATGCCATCTTTTCCTTTGGTGAGGACTCCCAGATGGGGCCCAGGGAAGAGAGATG-3'
Protein context (NP_000775.1, residues 264-284): VLPFWKRYLD[Gly274Ala]WNAIFSFGKK

ClinVar aggregate classification (germline): Uncertain significance (1 of 4 stars; one submission).

Conditions:
Cholestanol storage disease (CTX). Also called: CEREBRAL CHOLESTERINOSIS; Cerebrotendinous Xanthomatosis; CTX: Cerebrotendinous xanthomatosis. Identifiers: Orphanet 909, MedGen C0238052, MONDO:0008948, OMIM 213700.

Allele frequency attached by ClinVar (database versions not stated): gnomAD exomes below 0.00001.
gnomAD v4.1: 6 of 1,614,250 alleles (0.00037%); highest among the groups gnomAD compares: Non-Finnish European, 0.00051%; no homozygotes.

Submission:

Labcorp Genetics (formerly Invitae), Labcorp
Classification: Uncertain significance for Cholestanol storage disease. Last evaluated: 2022-02-05. Review status: criteria provided, single submitter. Criteria: Invitae Variant Classification Sherloc (09022015). Collection method: clinical testing. Allele origin: germline.
Comment: This sequence change replaces glycine, which is neutral and non-polar, with alanine, which is neutral and non-polar, at codon 274 of the CYP27A1 protein (p.Gly274Ala). This variant is present in population databases (no rsID available, gnomAD 0.0009%). This variant has not been reported in the literature in individuals affected with CYP27A1-related conditions. Advanced modeling of protein sequence and biophysical properties (such as structural, functional, and spatial information, amino acid conservation, physicochemical variation, residue mobility, and thermodynamic stability) performed at Invitae indicates that this missense variant is not expected to disrupt CYP27A1 protein function. In summary, the available evidence is currently insufficient to determine the role of this variant in disease. Therefore, it has been classified as a Variant of Uncertain Significance.